The following is an entry in ClinVar:

NM_182493.3(MYLK3):c.998C>T (p.Pro333Leu)

Gene: MYLK3 (myosin light chain kinase 3; minus strand). Cytogenetic location: 16q11.2.
Variant type: single nucleotide variant.
Coding change: c.998C>T on transcript NM_182493.3 (MANE Select); coding-DNA position 998, C replaced by T.
Protein change: p.Pro333Leu; replaces proline 333 with leucine.
Molecular consequence: missense variant. On other transcripts: intron variant (1).
Genome position (GRCh38, 1-based): chr16:46,737,714, G>A on the plus strand (C>T on the coding strand, the complement: MYLK3 is on the minus strand). VCF-style: chr16-46737714-G-A. GRCh37 (hg19) VCF-style: chr16-46771626-G-A.
Other names: c.-23+2343C>T (NM_001308301.1); short protein forms P333L.
Identifiers: ClinVar variation 1949605 (VCV001949605.5), dbSNP rs2548907874, ClinGen allele CA395793805.

ClinVar aggregate classification (germline): Uncertain significance (1 of 4 stars; one submission).

Allele frequency attached by ClinVar (database versions not stated): gnomAD exomes below 0.00001.

Submission:

Labcorp Genetics (formerly Invitae), Labcorp
Classification: Uncertain significance. Last evaluated: 2022-07-09. Review status: criteria provided, single submitter. Criteria: Invitae Variant Classification Sherloc (09022015). Collection method: clinical testing. Allele origin: germline.
Comment: This sequence change replaces proline, which is neutral and non-polar, with leucine, which is neutral and non-polar, at codon 333 of the MYLK3 protein (p.Pro333Leu). This variant is not present in population databases (gnomAD no frequency). This variant has not been reported in the literature in individuals affected with MYLK3-related conditions. Algorithms developed to predict the effect of missense changes on protein structure and function (SIFT, PolyPhen-2, Align-GVGD) all suggest that this variant is likely to be tolerated. In summary, the available evidence is currently insufficient to determine the role of this variant in disease. Therefore, it has been classified as a Variant of Uncertain Significance.